The following is an entry in ClinVar:

NM_022041.4(GAN):c.862C>G (p.Pro288Ala)

Gene: GAN (gigaxonin; plus strand). Cytogenetic location: 16q23.2.
Variant type: single nucleotide variant.
Coding change: c.862C>G on transcript NM_022041.4 (MANE Select); coding-DNA position 862, C replaced by G.
Protein change: p.Pro288Ala; replaces proline 288 with alanine.
Molecular consequence: missense variant.
Genome position (GRCh38, 1-based): chr16:81,357,820, C>G. VCF-style: chr16-81357820-C-G. GRCh37 (hg19) VCF-style: chr16-81391425-C-G.
Other names: c.223C>G, p.Pro75Ala (NM_001377486.1); short protein forms P288A, P75A.
Identifiers: ClinVar variation 665088 (VCV000665088.8), dbSNP rs1249160013, ClinGen allele CA396873094.

ClinVar aggregate classification (germline): Uncertain significance (1 of 4 stars; one submission).

Conditions:
Giant axonal neuropathy 1 (GAN1). Also called: GIANT AXONAL NEUROPATHY 1, AUTOSOMAL RECESSIVE; GAN-Related Neurodegeneration. Identifiers: Orphanet 643, MedGen C1850386, MONDO:0009749, OMIM 256850.

Allele frequency attached by ClinVar (database versions not stated): gnomAD exomes 0.00001; gnomAD 0.00002.
gnomAD v4.1: 16 of 1,613,294 alleles (0.00099%); highest among the groups gnomAD compares: Non-Finnish European, 0.0014%; no homozygotes.

Submission:

Labcorp Genetics (formerly Invitae), Labcorp
Classification: Uncertain significance for Giant axonal neuropathy 1. Last evaluated: 2022-07-12. Review status: criteria provided, single submitter. Criteria: Invitae Variant Classification Sherloc (09022015). Collection method: clinical testing. Allele origin: germline.
Comment: This sequence change replaces proline, which is neutral and non-polar, with alanine, which is neutral and non-polar, at codon 288 of the GAN protein (p.Pro288Ala). This variant is present in population databases (no rsID available, gnomAD 0.007%). This missense change has been observed in individual(s) with Charcot-Marie-Tooth disease (PMID: 30373780). ClinVar contains an entry for this variant (Variation ID: 665088). Algorithms developed to predict the effect of missense changes on protein structure and function (SIFT, PolyPhen-2, Align-GVGD) all suggest that this variant is likely to be tolerated. In summary, the available evidence is currently insufficient to determine the role of this variant in disease. Therefore, it has been classified as a Variant of Uncertain Significance.

Literature cited by the submitters: PubMed 30373780.